The following is an entry in ClinVar:

ClinVar aggregate classification (germline): Uncertain significance (1 of 4 stars; one submission).

Conditions:
Cardiovascular phenotype. Identifiers: MedGen CN230736.
Hereditary cancer-predisposing syndrome. Also called: Neoplastic Syndromes, Hereditary; Tumor predisposition; Hereditary neoplastic syndrome; Hereditary Cancer Syndrome. Identifiers: Orphanet 140162, MedGen C0027672, MeSH D009386, MONDO:0015356.

gnomAD v4.1: 1 of 1,612,554 alleles (0.000062%); highest among the groups gnomAD compares: Non-Finnish European, 0.000085%; no homozygotes.

Submission:

Ambry Genetics
Classification: Uncertain significance for Cardiovascular phenotype; Hereditary cancer-predisposing syndrome. Last evaluated: 2026-07-13. Review status: criteria provided, single submitter. Criteria: Ambry Variant Classification Scheme 2023. Collection method: clinical testing. Allele origin: germline.
Comment: The p.W1976R variant (also known as c.5926T>A), located in coding exon 39 of the NF1 gene, results from a T to A substitution at nucleotide position 5926. The tryptophan at codon 1976 is replaced by arginine, an amino acid with dissimilar properties. This amino acid position is conserved. In addition, this alteration is predicted to be deleterious by in silico analysis. Based on the available evidence, the clinical significance of this variant remains unclear.

NM_001042492.3(NF1):c.5989T>A (p.Trp1997Arg)

Gene: NF1 (neurofibromin 1; plus strand). Cytogenetic location: 17q11.2.
Variant type: single nucleotide variant.
Coding change: c.5989T>A on transcript NM_001042492.3 (MANE Select); coding-DNA position 5989, T replaced by A.
Protein change: p.Trp1997Arg; replaces tryptophan 1997 with arginine.
Molecular consequence: missense variant.
Genome position (GRCh38, 1-based): chr17:31,335,014, T>A. VCF-style: chr17-31335014-T-A. GRCh37 (hg19) VCF-style: chr17-29662032-T-A.
Other names: c.5926T>A, p.Trp1976Arg (NM_000267.4); short protein forms W1976R, W1997R.
Identifiers: ClinVar variation 5025565 (VCV005025565.1).
Genomic context (GRCh38, chr17:31,335,014, plus strand): 5'-AAGCTGATAACAATGACCATCAATGAAAAACAGATGTACCCATCTATTCAAGCAAAAATA[T>A]GGGGAAGCCTTGGGCAGGTATTGAGTTTGCTCAAATATTTATCTAGTATCTCCTTTGTGC-3'
Protein context (NP_001035957.1, residues 1987-2007): QMYPSIQAKI[Trp1997Arg]GSLGQITDLL